The following is an entry in ClinVar:

ClinVar aggregate classification (germline): Benign/Likely benign. Review status: criteria provided, multiple submitters, no conflicts (2 of 4 stars). 3 submissions from 3 submitters: Benign (1); Likely benign (2). Last evaluated 2025-12-03.

Conditions:
Hereditary cancer-predisposing syndrome. Also called: Hereditary neoplastic syndrome; Neoplastic Syndromes, Hereditary; Tumor predisposition; Hereditary Cancer Syndrome. Identifiers: Orphanet 140162, MedGen C0027672, MeSH D009386, MONDO:0015356.
Tuberous sclerosis 2 (TSC2). Identifiers: Orphanet 805, MedGen C1860707, MONDO:0013199, OMIM 613254.

gnomAD v4.1: 2 of 1,596,684 alleles (0.00013%); highest among the groups gnomAD compares: Non-Finnish European, 0.00017%; no homozygotes.

Submissions (3):

Labcorp Genetics (formerly Invitae), Labcorp
Classification: Likely benign for Tuberous sclerosis 2. Last evaluated: 2025-12-03. Review status: criteria provided, single submitter. Criteria: Invitae Variant Classification Sherloc (09022015). Collection method: clinical testing. Allele origin: germline.

Myriad Genetics, Inc.
Classification: Benign for Tuberous sclerosis 2. Last evaluated: 2025-06-04. Review status: criteria provided, single submitter. Criteria: Myriad Autosomal Dominant, Autosomal Recessive and X-Linked Classification Criteria (2023). Collection method: clinical testing. Allele origin: unknown.
Comment: This variant is considered benign. This variant is a silent/synonymous amino acid change and it is not expected to impact splicing.

Ambry Genetics
Classification: Likely benign for Hereditary cancer-predisposing syndrome. Last evaluated: 2020-11-24. Review status: criteria provided, single submitter. Criteria: Ambry Variant Classification Scheme 2023. Collection method: clinical testing. Allele origin: germline.

NM_000548.5(TSC2):c.4524C>A (p.Pro1508=)

Gene: TSC2 (TSC complex subunit 2; plus strand). Cytogenetic location: 16p13.3.
Variant type: single nucleotide variant.
Coding change: c.4524C>A on transcript NM_000548.5 (MANE Select); coding-DNA position 4524, C replaced by A.
Protein change: p.Pro1508=; no amino-acid change (proline 1508 retained).
Molecular consequence: synonymous variant.
Genome position (GRCh38, 1-based): chr16:2,084,981, C>A. VCF-style: chr16-2084981-C-A. GRCh37 (hg19) VCF-style: chr16-2134982-C-A.
Other names: c.4392C>A, p.Pro1464= (NM_001370404.1); c.4395C>A, p.Pro1465= (NM_001370405.1, NM_021055.3); c.4323C>A, p.Pro1441= (NM_001077183.3); c.4455C>A, p.Pro1485= (NM_001114382.3); c.4215C>A, p.Pro1405= (NM_001318827.2); c.4179C>A, p.Pro1393= (NM_001318829.2); c.3792C>A, p.Pro1264= (NM_001318831.2); c.4356C>A, p.Pro1452= (NM_001318832.2); and 1 more.
Identifiers: ClinVar variation 741668 (VCV000741668.14), dbSNP rs1596422510, ClinGen allele CA493043405.
Genomic context (GRCh38, chr16:2,084,981, plus strand): 5'-CTGGGTGCCCACCATCCCCTCCCTGTGCAGTTTCGTGTTCCTGCAGCTCTACCATTCCCC[C>A]TTCTTTGGCGACGAGTCAAACAAGCCAATCCTGCTGCCCAATGAGGTAGGCGTGGCCTCC-3'
Protein context (NP_000539.2, residues 1498-1518): SFVFLQLYHS[Pro1508=]FFGDESNKPI